The following is an entry in ClinVar:

ClinVar aggregate classification (germline): Pathogenic (1 of 4 stars; one submission).

Conditions:
Multiple sulfatase deficiency (MSD). Also called: Multiple Sulfatase Deficiency Disease; Sulfatidosis, Juvenile, Austin Type; Mucosulfatidosis. Identifiers: Orphanet 585, MedGen C0268263, MONDO:0010088, OMIM 272200.

Allele frequency attached by ClinVar (database versions not stated): gnomAD exomes below 0.00001.

Submission:

Labcorp Genetics (formerly Invitae), Labcorp
Classification: Pathogenic for Multiple sulfatase deficiency. Last evaluated: 2020-09-13. Review status: criteria provided, single submitter. Criteria: Invitae Variant Classification Sherloc (09022015). Collection method: clinical testing. Allele origin: germline.
Comment: For these reasons, this variant has been classified as Pathogenic. Loss-of-function variants in SUMF1 are known to be pathogenic (PMID: 12757705, 12757706, 25885655). This variant has not been reported in the literature in individuals with SUMF1-related conditions. The frequency data for this variant in the population databases is considered unreliable, as metrics indicate insufficient coverage at this position in the ExAC database. This sequence change creates a premature translational stop signal (p.Ser64Trpfs*45) in the SUMF1 gene. It is expected to result in an absent or disrupted protein product.

Literature cited by the submitters: PubMed 12757705; PubMed 12757706; PubMed 25885655.

NM_182760.4(SUMF1):c.191del (p.Ser64fs)

Genes: SUMF1 (sulfatase modifying factor 1; minus strand), LOC129936056 (ATAC-STARR-seq lymphoblastoid silent region 14016; plus strand). Cytogenetic location: 3p26.1.
Variant type: Deletion.
Coding change: c.191del on transcript NM_182760.4 (MANE Select); coding-DNA position 191, one base deleted (C; older notation c.191delC).
Protein change: p.Ser64fs; shifts the reading frame from serine 64.
Molecular consequence: frameshift variant.
Genome position (GRCh38, 1-based): chr3:4,467,055, G deleted on the plus strand (C on the coding strand, the reverse complement: SUMF1 is on the minus strand). VCF-style (leftmost placement, unchanged base first): chr3-4467054-CG-C. GRCh37 (hg19) VCF-style: chr3-4508738-CG-C.
Other names: c.191del, p.Ser64fs (NM_001164674.2, NM_001164675.2); short protein forms S64fs.
Identifiers: ClinVar variation 1068976 (VCV001068976.5), dbSNP rs2124823079, ClinGen allele CA2499216792.
Genomic context (GRCh38, chr3:4,467,054, plus strand): 5'-CCGCTCTCCGGGTACGGGGCCCGGAGCGTTAGCCTCCCGCGAGTATCGGTGAGCGGCTGC[CG>C]AACTGCCATGGGCGCCAGGCCGCTGGGGCGTGCCGCAGCCGCAAGAACCCGCAAGGGACC-3'